The following is an entry in ClinVar:

NM_021619.3(PRDM12):c.1065C>T (p.Ala355=)

Gene: PRDM12 (PR/SET domain 12; plus strand). Cytogenetic location: 9q34.12.
Variant type: single nucleotide variant.
Coding change: c.1065C>T on transcript NM_021619.3 (MANE Select); coding-DNA position 1065, C replaced by T.
Protein change: p.Ala355=; no amino-acid change (alanine 355 retained).
Molecular consequence: synonymous variant.
Genome position (GRCh38, 1-based): chr9:130,681,630, C>T. VCF-style: chr9-130681630-C-T. GRCh37 (hg19) VCF-style: chr9-133557017-C-T.
Identifiers: ClinVar variation 4987267 (VCV004987267.1).
Genomic context (GRCh38, chr9:130,681,630, plus strand): 5'-CGCGCTGCCCGCCCCGCACGCGCACGCGCCCGCGCTCGCCGCCGCCGCCGCCGCCGCCGC[C>T]GCCGCCGCCGCGCACCACCTGCCGGCCATGGTGCTGTGAGCGCGCCCGCGCCCCCGCCGG-3'
Protein context (NP_067632.2, residues 345-365): PALAAAAAAA[Ala355=]AAAAHHLPAM

ClinVar aggregate classification (germline): Likely benign (1 of 4 stars; one submission).

Conditions:
PRDM12-related disorder. Also called: PRDM12-related condition.

Submission:

PreventionGenetics, part of Exact Sciences
Classification: Likely benign for PRDM12-related condition. Last evaluated: 2025-12-30. Review status: criteria provided, single submitter. Criteria: ACMG Guidelines, 2015. Collection method: clinical testing. Allele origin: germline.
Comment: This variant is classified as likely benign based on ACMG/AMP sequence variant interpretation guidelines (Richards et al. 2015 PMID: 25741868, with internal and published modifications).